The following is an entry in ClinVar:

NM_001164508.2(NEB):c.24115-1G>A

Genes: NEB (nebulin; minus strand), RIF1 (replication timing regulatory factor 1; plus strand). Cytogenetic location: 2q23.3.
Variant type: single nucleotide variant.
Coding change: c.24115-1G>A on transcript NM_001164508.2 (MANE Select); the canonical splice acceptor site of the intron before coding-DNA position 24115, G replaced by A.
Molecular consequence: splice acceptor variant. On other transcripts: intron variant (1).
Genome position (GRCh38, 1-based): chr2:151,498,353, C>T on the plus strand (G>A on the coding strand, the complement: NEB is on the minus strand). VCF-style: chr2-151498353-C-T. GRCh37 (hg19) VCF-style: chr2-152354867-C-T.
Other names: c.18826-1985G>A (NM_004543.5); c.24115-1G>A (NM_001164507.2); c.24220-1G>A (NM_001271208.2).
Identifiers: ClinVar variation 2763765 (VCV002763765.3), dbSNP rs2551872755, ClinGen allele CA348779341.

ClinVar aggregate classification (germline): Likely pathogenic (1 of 4 stars; one submission).

Conditions:
Nemaline myopathy 2 (NEM2). Also called: Nemaline myopathy 2, autosomal recessive. Identifiers: MedGen C1850569, MONDO:0009725, OMIM 256030.

Submission:

Labcorp Genetics (formerly Invitae), Labcorp
Classification: Likely pathogenic for Nemaline myopathy 2. Last evaluated: 2023-09-27. Review status: criteria provided, single submitter. Criteria: Invitae Variant Classification Sherloc (09022015). Collection method: clinical testing. Allele origin: germline.
Comment: This sequence change affects an acceptor splice site in intron 170 of the NEB gene. It is expected to disrupt RNA splicing. Variants that disrupt the donor or acceptor splice site typically lead to a loss of protein function (PMID: 16199547), and loss-of-function variants in NEB are known to be pathogenic (PMID: 25205138). This variant is not present in population databases (gnomAD no frequency). This variant has not been reported in the literature in individuals affected with NEB-related conditions. Algorithms developed to predict the effect of sequence changes on RNA splicing suggest that this variant may disrupt the consensus splice site. In summary, the currently available evidence indicates that the variant is pathogenic, but additional data are needed to prove that conclusively. Therefore, this variant has been classified as Likely Pathogenic.

Literature cited by the submitters: PubMed 16199547; PubMed 25205138.